The following is an entry in ClinVar:

NM_000163.5(GHR):c.-164A>G

Genes: GHR (growth hormone receptor; plus strand), LOC107963950 (GHR upstream promoter region module A; plus strand). Cytogenetic location: 5p13.1.
Variant type: single nucleotide variant.
Coding change: c.-164A>G on transcript NM_000163.5 (MANE Select); 164 bases upstream of the start codon, A replaced by G.
Molecular consequence: 5 prime UTR variant.
Genome position (GRCh38, 1-based): chr5:42,423,803, A>G. VCF-style: chr5-42423803-A-G. GRCh37 (hg19) VCF-style: chr5-42423905-A-G.
Identifiers: ClinVar variation 353676 (VCV000353676.8), dbSNP rs2940928, ClinGen allele CA10620475.

ClinVar aggregate classification (germline): Benign. Review status: criteria provided, multiple submitters, no conflicts (2 of 4 stars). 3 submissions from 3 submitters: Benign (3). Last evaluated 2020-06-11.

Conditions:
Laron-type isolated somatotropin defect. Also called: GROWTH HORMONE RECEPTOR DEFICIENCY; Laron Syndrome; Growth hormone binding protein deficiency or dysfunction; Growth hormone receptor deficiency or dysfunction; Laron dwarfism; Laron type pituitary dwarfism I. Identifiers: Orphanet 633, MedGen C0271568, MONDO:0009877, OMIM 262500.

Allele frequency attached by ClinVar (database versions not stated): TOPMed 0.81394; gnomAD 0.81907 and 0.82269; gnomAD exomes 0.83587; 1000 Genomes Project 30x 0.85993; 1000 Genomes Project 0.86242.

Submissions (3):

GeneDx
Classification: Benign. Last evaluated: 2020-06-11. Review status: criteria provided, single submitter. Criteria: GeneDx Variant Classification Process June 2021. Collection method: clinical testing. Allele origin: germline. Affected: yes.

Illumina Laboratory Services, Illumina
Classification: Benign for Laron-type isolated somatotropin defect. Last evaluated: 2018-01-13. Review status: criteria provided, single submitter. Criteria: ICSL Variant Classification Criteria 13 December 2019. Collection method: clinical testing. Allele origin: germline.
Comment: This variant was observed in the ICSL laboratory as part of a predisposition screen in an ostensibly healthy population. It had not been previously curated by ICSL or reported in the Human Gene Mutation Database (HGMD: prior to June 1st, 2018), and was therefore a candidate for classification through an automated scoring system. Utilizing variant allele frequency, disease prevalence and penetrance estimates, and inheritance mode, an automated score was calculated to assess if this variant is too frequent to cause the disease. Based on the score and internal cut-off values, a variant classified as benign is not then subjected to further curation. The score for this variant resulted in a classification of benign for this disease.

Breakthrough Genomics
Classification: Benign. Review status: criteria provided, single submitter. Criteria: ACMG Guidelines, 2015. Collection method: not provided. Allele origin: germline. Inheritance: Autosomal recessive inheritance. Affected: yes.